The following is an entry in ClinVar:

NM_001085.5(SERPINA3):c.363C>T (p.His121=)

Gene: SERPINA3 (serpin family A member 3; plus strand). Cytogenetic location: 14q32.13.
Variant type: single nucleotide variant.
Coding change: c.363C>T on transcript NM_001085.5 (MANE Select); coding-DNA position 363, C replaced by T.
Protein change: p.His121=; no amino-acid change (histidine 121 retained).
Molecular consequence: synonymous variant.
Genome position (GRCh38, 1-based): chr14:94,614,804, C>T. VCF-style: chr14-94614804-C-T. GRCh37 (hg19) VCF-style: chr14-95081141-C-T.
Other names: c.363C>T, p.His121= (NM_001384672.1, NM_001384673.1, NM_001384674.1).
Identifiers: ClinVar variation 3041574 (VCV003041574.2), dbSNP rs140011518, ClinGen allele CA7329738.

ClinVar aggregate classification (germline): Likely benign (0 of 4 stars; one submission).

Conditions:
SERPINA3-related disorder. Also called: SERPINA3-related condition.

Allele frequency attached by ClinVar (database versions not stated): gnomAD 0.00009; TOPMed 0.00012; ExAC 0.00015; ESP Exome Variant Server 0.00023; gnomAD exomes 0.00025.
gnomAD v4.1: 379 of 1,614,104 alleles (0.023%); highest among the groups gnomAD compares: Non-Finnish European, 0.029%; 1 homozygote.

Submission:

PreventionGenetics, part of Exact Sciences
Classification: Likely benign for SERPINA3-related condition. Last evaluated: 2019-02-22. Review status: no assertion criteria provided. Collection method: clinical testing. Allele origin: germline.
Comment: This variant is classified as likely benign based on ACMG/AMP sequence variant interpretation guidelines (Richards et al. 2015 PMID: 25741868, with internal and published modifications).